The following is an entry in ClinVar:

ClinVar aggregate classification (germline): Uncertain significance (1 of 4 stars; one submission).

Submission:

ISCA site 4
Classification: Uncertain significance. Last evaluated: 2011-08-12. Review status: criteria provided, single submitter. Criteria: Kaminsky et al. (Genet Med. 2011). Collection method: clinical testing. Allele origin: unknown. Affected: yes. Observed: 1 variant allele.
Comment: Copy number variation identified through the course of routine clinical cytogenomic testing in postnatal populations. Clinical assertions have been curated as described in Kaminsky et al. 2011.

GRCh38/hg38 7p22.2-22.1(chr7:4469558-5111872)x3

Genes: AP5Z1 (adaptor related protein complex 5 subunit zeta 1; plus strand), FOXK1 (forkhead box K1; plus strand), MIR4656 (microRNA 4656; minus strand), MMD2 (monocyte to macrophage differentiation associated 2; minus strand), PAPOLB (poly(A) polymerase beta; minus strand) and 30 more. Cytogenetic location: 7p22.2-22.1.
Variant type: copy number gain.
Change: copy number 3 (three copies instead of two) of chr7:4,469,558-5,111,872 (642.3 kb, GRCh38 coordinates, 1-based), cytogenetic band 7p22.2-22.1.
Identifiers: ClinVar variation 57293 (VCV000057293.1).